The following is an entry in ClinVar:

NM_000170.3(GLDC):c.698T>C (p.Val233Ala)

Gene: GLDC (glycine decarboxylase; minus strand). Cytogenetic location: 9p24.1.
Variant type: single nucleotide variant.
Coding change: c.698T>C on transcript NM_000170.3 (MANE Select); coding-DNA position 698, T replaced by C.
Protein change: p.Val233Ala; replaces valine 233 with alanine.
Molecular consequence: missense variant.
Genome position (GRCh38, 1-based): chr9:6,606,607, A>G on the plus strand (T>C on the coding strand, the complement: GLDC is on the minus strand). VCF-style: chr9-6606607-A-G. GRCh37 (hg19) VCF-style: chr9-6606607-A-G.
Other names: p.Val233Ala; short protein forms V233A.
Identifiers: ClinVar variation 367199 (VCV000367199.18), dbSNP rs140013612, ClinGen allele CA4981037.
Genomic context (GRCh38, chr9:6,606,607, plus strand): 5'-AACATGACATTATACTGAGTTTAAAACACGAATCAAATTAATTACTTGGCTCGAGTCTGG[A>G]CAACAGCTATTGTCTGTGGGTGGCAACGGGGATCAACGAGAAATTTCCTCCTCTTGTTGT-3'
Protein context (NP_000161.2, residues 223-243): PRCHPQTIAV[Val233Ala]QTRAKYTGVL

ClinVar aggregate classification (germline): Uncertain significance. Review status: criteria provided, multiple submitters, no conflicts (2 of 4 stars). 6 submissions from 6 submitters: Uncertain significance (5). 1 of the submissions does not count toward it. Last evaluated 2025-03-13.

Conditions:
Inborn genetic diseases. Identifiers: MedGen C0950123, MeSH D030342.
Glycine encephalopathy. Also called: Nonketotic hyperglycinemia; Non-ketotic hyperglycinemia. Identifiers: Orphanet 407, MedGen C0751748, MONDO:0011612, HP:0008288.

Allele frequency attached by ClinVar (database versions not stated): gnomAD exomes 0.00019 and 0.00044; ExAC 0.00021; gnomAD 0.00022 and 0.00034; ESP Exome Variant Server 0.00023; TOPMed 0.00038.
gnomAD v4.1: 668 of 1,595,924 alleles (0.042%); highest among the groups gnomAD compares: Non-Finnish European, 0.053%; 1 homozygote.

Submissions (6):

Mayo Clinic Laboratories, Mayo Clinic
Classification: Uncertain significance. Last evaluated: 2025-03-13. Review status: criteria provided, single submitter. Criteria: ACMG Guidelines, 2015. Collection method: clinical testing. Allele origin: germline. Observed: 1 variant allele.
Comment: PP3_moderate

GeneDx
Classification: Uncertain significance. Last evaluated: 2024-08-01. Review status: criteria provided, single submitter. Criteria: GeneDx Variant Classification Process June 2021. Collection method: clinical testing. Allele origin: germline. Affected: yes.
Comment: In silico analysis supports that this missense variant has a deleterious effect on protein structure/function; Has not been previously published as pathogenic or benign to our knowledge

Labcorp Genetics (formerly Invitae), Labcorp
Classification: Uncertain significance for Glycine encephalopathy. Last evaluated: 2022-10-05. Review status: criteria provided, single submitter. Criteria: Invitae Variant Classification Sherloc (09022015). Collection method: clinical testing. Allele origin: germline.
Comment: This sequence change replaces valine, which is neutral and non-polar, with alanine, which is neutral and non-polar, at codon 233 of the GLDC protein (p.Val233Ala). This variant is present in population databases (rs140013612, gnomAD 0.03%). This variant has not been reported in the literature in individuals affected with GLDC-related conditions. ClinVar contains an entry for this variant (Variation ID: 367199). Advanced modeling of protein sequence and biophysical properties (such as structural, functional, and spatial information, amino acid conservation, physicochemical variation, residue mobility, and thermodynamic stability) performed at Invitae indicates that this missense variant is not expected to disrupt GLDC protein function. In summary, the available evidence is currently insufficient to determine the role of this variant in disease. Therefore, it has been classified as a Variant of Uncertain Significance.

Ambry Genetics
Classification: Uncertain significance for Inborn genetic diseases. Last evaluated: 2022-07-28. Review status: criteria provided, single submitter. Criteria: Ambry Variant Classification Scheme 2023. Collection method: clinical testing. Allele origin: germline.

Illumina Laboratory Services, Illumina
Classification: Uncertain significance for Glycine encephalopathy 1. Last evaluated: 2018-01-13. Review status: criteria provided, single submitter. Criteria: ICSL Variant Classification Criteria 13 December 2019. Collection method: clinical testing. Allele origin: germline.

Natera, Inc.
Classification: Uncertain significance for Non-ketotic hyperglycinemia. Last evaluated: 2020-03-04. Review status: no assertion criteria provided. Collection method: clinical testing. Allele origin: germline. Not counted in ClinVar's aggregate classification.